The following is an entry in ClinVar:

NM_001048174.2(MUTYH):c.1528_1530del (p.Ser510del)

Gene: MUTYH (mutY DNA glycosylase; minus strand). Cytogenetic location: 1p34.1.
Variant type: Deletion.
Coding change: c.1528_1530del on transcript NM_001048174.2 (MANE Select); coding-DNA positions 1528 to 1530, 3 bases deleted (TCC; older notation c.1528_1530delTCC).
Protein change: p.Ser510del; deletes serine 510.
Molecular consequence: inframe deletion. On other transcripts: non-coding transcript variant (7), inframe indel (1).
Genome position (GRCh38, 1-based): chr1:45,329,342-45,329,344, GGA deleted on the plus strand (TCC on the coding strand, the reverse complement: MUTYH is on the minus strand); deleting any 3 consecutive bases within chr1:45,329,342-45,329,345 gives the same sequence; the c. name uses the placement nearest the transcript's 3' end. VCF-style (leftmost placement, unchanged base first): chr1-45329341-TGGA-T. GRCh37 (hg19) VCF-style: chr1-45795013-TGGA-T.
Other names: c.1528_1530del, p.Ser510del (NM_001048171.2, NM_001048173.2, NM_001293195.2 and 6 more transcripts); c.1531_1533del, p.Ser511del (NM_001048172.2, NM_001407071.1, NM_001407078.1 and 1 more transcripts); c.1612_1614del, p.Ser538del (NM_001128425.2); c.1573_1575del, p.Ser525del (NM_001293190.2); c.1561_1563del, p.Ser521del (NM_001293191.2, NM_001407069.1, NM_001407077.1); c.1252_1254del, p.Ser418del (NM_001293192.2, NM_001293196.2, NM_001407091.1); c.1183_1185del, p.Ser395del (NM_001350650.2, NM_001350651.2, NM_001407082.1); c.1444_1446del, p.Ser482del (NM_001407075.1); and 6 more; short protein forms S496del, S497del, S517del, S525del, S395del, S510del, S521del, S524del.
Identifiers: ClinVar variation 2453347 (VCV002453347.3), dbSNP rs2523733282, ClinGen allele CA2580062905.

ClinVar aggregate classification (germline): Uncertain significance (1 of 4 stars; one submission).

Conditions:
Hereditary cancer-predisposing syndrome. Also called: Neoplastic Syndromes, Hereditary; Tumor predisposition; Hereditary neoplastic syndrome; Hereditary Cancer Syndrome. Identifiers: Orphanet 140162, MedGen C0027672, MeSH D009386, MONDO:0015356.

Submission:

Ambry Genetics
Classification: Uncertain significance for Hereditary cancer-predisposing syndrome. Last evaluated: 2025-05-12. Review status: criteria provided, single submitter. Criteria: Ambry Variant Classification Scheme 2023. Collection method: clinical testing. Allele origin: germline.
Comment: The c.1612_1614delTCC variant (also known as p.S538del) is located in coding exon 16 of the MUTYH gene. This variant results from an in-frame TCC deletion at nucleotide positions 1612 to 1614. This results in the in-frame deletion of a serine at codon 538. This amino acid position is poorly conserved in available vertebrate species. In addition, this alteration is predicted to be neutral by in silico analysis (Choi Y et al. PLoS ONE. 2012; 7(10):e46688). Based on the available evidence, the clinical significance of this variant remains unclear.